The following is an entry in ClinVar:

ClinVar aggregate classification (germline): Uncertain significance. Review status: criteria provided, multiple submitters, no conflicts (2 of 4 stars). 2 submissions from 2 submitters: Uncertain significance (2). Last evaluated 2021-07-12.

Conditions:
Hereditary cancer-predisposing syndrome. Also called: Hereditary neoplastic syndrome; Hereditary Cancer Syndrome; Neoplastic Syndromes, Hereditary; Tumor predisposition. Identifiers: Orphanet 140162, MedGen C0027672, MeSH D009386, MONDO:0015356.

Allele frequency attached by ClinVar (database versions not stated): gnomAD exomes below 0.00001.
gnomAD v4.1: 1 of 1,595,196 alleles (0.000063%); highest among the groups gnomAD compares: South Asian, 0.0011%; no homozygotes.

Submissions (2):

Labcorp Genetics (formerly Invitae), Labcorp
Classification: Uncertain significance for Hereditary cancer-predisposing syndrome. Last evaluated: 2021-07-12. Review status: criteria provided, single submitter. Criteria: Invitae Variant Classification Sherloc (09022015). Collection method: clinical testing. Allele origin: germline.
Comment: This sequence change replaces glutamic acid with lysine at codon 75 of the RAD50 protein (p.Glu75Lys). The glutamic acid residue is highly conserved and there is a small physicochemical difference between glutamic acid and lysine. This variant is not present in population databases (ExAC no frequency). This variant has not been reported in the literature in individuals with RAD50-related conditions. ClinVar contains an entry for this variant (Variation ID: 230178). Algorithms developed to predict the effect of missense changes on protein structure and function are either unavailable or do not agree on the potential impact of this missense change (SIFT: "Tolerated"; PolyPhen-2: "Probably Damaging"; Align-GVGD: "Class C0"). In summary, the available evidence is currently insufficient to determine the role of this variant in disease. Therefore, it has been classified as a Variant of Uncertain Significance.

Ambry Genetics
Classification: Uncertain significance for Hereditary cancer-predisposing syndrome. Last evaluated: 2015-01-28. Review status: criteria provided, single submitter. Criteria: Ambry Variant Classification Scheme 2023. Collection method: clinical testing. Allele origin: germline.
Comment: The p.E75K variant (also known as c.223G>A), located in coding exon 3 of the RAD50 gene, results from a G to A substitution at nucleotide position 223. The glutamic acid at codon 75 is replaced by lysine, an amino acid with some similar properties. This variant was not reported in population based cohorts in the following databases: Database of Single Nucleotide Polymorphisms (dbSNP), NHLBI Exome Sequencing Project (ESP), and 1000 Genomes Project. In the ESP, this variant was not observed in 6,503 samples (13,006 alleles) with coverage at this position. To date, this alteration has been detected with an allele frequency of approximately 0.003% (greater than 40,000 alleles tested) in our clinical cohort. This amino acid position is highly conserved in available vertebrate species. Using two different splice site prediction tools, this alteration is predicted by ESEfinder to weaken the efficacy of the native acceptor splice site, but is not predicted to have a deleterious effect on this acceptor splice site by BDGP; however, direct evidence is unavailable. In addition, the in silico prediction for this alteration is inconclusive. Since supporting evidence is limited at this time, the clinical significance of p.E75K remains unclear.

NM_005732.4(RAD50):c.223G>A (p.Glu75Lys)

Gene: RAD50 (RAD50 double strand break repair protein; plus strand). Cytogenetic location: 5q31.1.
Variant type: single nucleotide variant.
Coding change: c.223G>A on transcript NM_005732.4 (MANE Select); coding-DNA position 223, G replaced by A.
Protein change: p.Glu75Lys; replaces glutamic acid 75 with lysine.
Molecular consequence: missense variant.
Genome position (GRCh38, 1-based): chr5:132,575,786, G>A. VCF-style: chr5-132575786-G-A. GRCh37 (hg19) VCF-style: chr5-131911478-G-A.
Other names: short protein forms E75K.
Identifiers: ClinVar variation 230178 (VCV000230178.15), dbSNP rs876658433, ClinGen allele CA10578480.
Genomic context (GRCh38, chr5:132,575,786, plus strand): 5'-CACTGGTGCTTATTAAAGTAACATAAGTTTTTTCTGTGTTTTCCTTCAAAGGTTGCTCAA[G>A]AAACAGATGTGAGAGCCCAGATTCGTCTGCAATTTCGTGATGTCAATGGAGAACTTATAG-3'
Protein context (NP_005723.2, residues 65-85): TFVHDPKVAQ[Glu75Lys]TDVRAQIRLQ